The following is an entry in ClinVar:

ClinVar aggregate classification (germline): Pathogenic. Review status: criteria provided, multiple submitters, no conflicts (2 of 4 stars). 2 submissions from 2 submitters: Pathogenic (2). Last evaluated 2025-12-23.

Conditions:
Atrichia with papular lesions (APL). Also called: PAPULAR ATRICHIA. Identifiers: Orphanet 86819, MedGen C1859592, MONDO:0008847, OMIM 209500.
Alopecia universalis congenita (ALUNC). Also called: ATRICHIA, GENERALIZED. Identifiers: Orphanet 701, MedGen C1859877, MONDO:0008757, OMIM 203655.

gnomAD v4.1: 8 of 1,592,982 alleles (0.0005%); highest among the groups gnomAD compares: South Asian, 0.0011%; no homozygotes.

Submissions (2):

Labcorp Genetics (formerly Invitae), Labcorp
Classification: Pathogenic. Last evaluated: 2025-12-23. Review status: criteria provided, single submitter. Criteria: Invitae Variant Classification Sherloc (09022015). Collection method: clinical testing. Allele origin: germline.
Comment: This sequence change creates a premature translational stop signal (p.Arg940*) in the HR gene. It is expected to result in an absent or disrupted protein product. Loss-of-function variants in HR are known to be pathogenic (PMID: 17869066, 18164595). The frequency data for this variant in the population databases is considered unreliable, as metrics indicate poor data quality at this position in the gnomAD database. This premature translational stop signal has been observed in individual(s) with atrichia with papular lesions (PMID: 17869066). Algorithms developed to predict the effect of sequence changes on RNA splicing suggest that this variant may disrupt the consensus splice site. For these reasons, this variant has been classified as Pathogenic.

First Genomix Gene Laboratory, Genetic Diagnostics Department
Classification: Pathogenic for Alopecia universalis congenita; Atrichia with papular lesions. Last evaluated: 2025-05-22. Review status: criteria provided, single submitter. Criteria: ACMG Guidelines, 2015. Collection method: clinical testing. Allele origin: germline. Inheritance: Autosomal recessive inheritance. Affected: no. Observed: 1 variant allele.

Literature cited by the submitters: PubMed 17869066 (cited by Labcorp Genetics (formerly Invitae), Labcorp); PubMed 18164595 (cited by Labcorp Genetics (formerly Invitae), Labcorp).

NM_005144.5(HR):c.2818C>T (p.Arg940Ter)

Gene: HR (HR lysine demethylase and nuclear receptor corepressor; minus strand). Cytogenetic location: 8p21.3.
Variant type: single nucleotide variant.
Coding change: c.2818C>T on transcript NM_005144.5 (MANE Select); coding-DNA position 2818, C replaced by T.
Protein change: p.Arg940Ter; replaces arginine 940 with a stop codon.
Molecular consequence: nonsense.
Genome position (GRCh38, 1-based): chr8:22,120,132, G>A on the plus strand (C>T on the coding strand, the complement: HR is on the minus strand). VCF-style: chr8-22120132-G-A. GRCh37 (hg19) VCF-style: chr8-21977645-G-A.
Other names: c.2818C>T, p.Arg940Ter (NM_018411.4); short protein forms R940*.
Identifiers: ClinVar variation 4709573 (VCV004709573.2), dbSNP rs761216172.
Genomic context (GRCh38, chr8:22,120,132, plus strand): 5'-GAGGTAGGGCTGGCCCTTGGTGACATACACACCTGCTGGTGTCCTCATCCCCCAAAGCTC[G>A]GTGCAGCAGGAGGACAGAGCCCTCGTCTGACTTTGGGCGAACTACAGGAGGAGACAGAAC-3'